The following is an entry in ClinVar:

ClinVar aggregate classification (germline): Uncertain significance (1 of 4 stars; one submission).

gnomAD v4.1: 1 of 1,601,020 alleles (0.000062%); highest among the groups gnomAD compares: South Asian, 0.0011%; no homozygotes.

Submission:

Labcorp Genetics (formerly Invitae), Labcorp
Classification: Uncertain significance. Last evaluated: 2024-02-20. Review status: criteria provided, single submitter. Criteria: Invitae Variant Classification Sherloc (09022015). Collection method: clinical testing. Allele origin: germline.
Comment: This sequence change replaces aspartic acid, which is acidic and polar, with histidine, which is basic and polar, at codon 512 of the RELA protein (p.Asp512His). This variant is not present in population databases (gnomAD no frequency). This variant has not been reported in the literature in individuals affected with RELA-related conditions. An algorithm developed to predict the effect of missense changes on protein structure and function (PolyPhen-2) suggests that this variant is likely to be disruptive. In summary, the available evidence is currently insufficient to determine the role of this variant in disease. Therefore, it has been classified as a Variant of Uncertain Significance.

NM_021975.4(RELA):c.1534G>C (p.Asp512His)

Gene: RELA (RELA proto-oncogene, NF-kB subunit; minus strand). Cytogenetic location: 11q13.1.
Variant type: single nucleotide variant.
Coding change: c.1534G>C on transcript NM_021975.4 (MANE Select); coding-DNA position 1534, G replaced by C.
Protein change: p.Asp512His; replaces aspartic acid 512 with histidine.
Molecular consequence: missense variant.
Genome position (GRCh38, 1-based): chr11:65,654,500, C>G on the plus strand (G>C on the coding strand, the complement: RELA is on the minus strand). VCF-style: chr11-65654500-C-G. GRCh37 (hg19) VCF-style: chr11-65421971-C-G.
Other names: c.1525G>C, p.Asp509His (NM_001145138.2); c.1327G>C, p.Asp443His (NM_001243984.2); c.1225G>C, p.Asp409His (NM_001243985.2); c.1567G>C, p.Asp523His (NM_001404657.1); c.1507G>C, p.Asp503His (NM_001404658.1); c.1321G>C, p.Asp441His (NM_001404659.1); c.1216G>C, p.Asp406His (NM_001404660.1); c.1153G>C, p.Asp385His (NM_001404661.1); and 1 more; short protein forms D385H, D406H, D409H, D441H, D443H, D481H, D509H, D512H.
Identifiers: ClinVar variation 3642313 (VCV003642313.2).
Genomic context (GRCh38, chr11:65,654,500, plus strand): 5'-CATCTCCTGAAAGGAGGCCATTGGGGAGCCCCGGGGCCCCCAGTGGAGCAGGAGCTGGGT[C>G]GGGGGGCCTCTGGGCCCCTGTCACTAGGCGAGTTATAGCCTCAGGGTACTCCATCAGCAT-3'
Protein context (NP_068810.3, residues 502-522): RLVTGAQRPP[Asp512His]PAPAPLGAPG